The following is an entry in ClinVar:

NM_001190274.2(FBXO11):c.2615G>A (p.Cys872Tyr)

Genes: FBXO11 (F-box protein 11; minus strand), MSH6 (mutS homolog 6; plus strand). Cytogenetic location: 2p16.3.
Variant type: single nucleotide variant.
Coding change: c.2615G>A on transcript NM_001190274.2 (MANE Select); coding-DNA position 2615, G replaced by A.
Protein change: p.Cys872Tyr; replaces cysteine 872 with tyrosine.
Molecular consequence: missense variant. On other transcripts: intron variant (6).
Genome position (GRCh38, 1-based): chr2:47,808,368, C>T on the plus strand (G>A on the coding strand, the complement: FBXO11 is on the minus strand). VCF-style: chr2-47808368-C-T. GRCh37 (hg19) VCF-style: chr2-48035507-C-T.
Other names: c.2363G>A, p.Cys788Tyr (NM_001374325.1, NM_025133.4); c.*43+1465C>T (NM_001406809.1); c.*40+1468C>T (NM_001406796.1, NM_001406811.1, NM_001406805.1 and 2 more transcripts); short protein forms C788Y, C872Y.
Identifiers: ClinVar variation 3370692 (VCV003370692.1).

ClinVar aggregate classification (germline): Uncertain significance (1 of 4 stars; one submission).

Submission:

GeneDx
Classification: Uncertain significance. Last evaluated: 2024-03-17. Review status: criteria provided, single submitter. Criteria: GeneDx Variant Classification Process June 2021. Collection method: clinical testing. Allele origin: germline. Affected: yes.
Comment: Not observed at significant frequency in large population cohorts (gnomAD); In silico analysis supports that this missense variant has a deleterious effect on protein structure/function; Has not been previously published as pathogenic or benign to our knowledge